The following is an entry in ClinVar:

ClinVar aggregate classification (germline): Conflicting classifications of pathogenicity. Review status: criteria provided, conflicting classifications (1 of 4 stars). 3 submissions from 3 submitters: Uncertain significance (1); Likely benign (1). 1 of the submissions does not count toward it. Last evaluated 2026-01-27.

Conditions:
CEP290-related disorder. Also called: CEP290-related condition; CEP290-related disorders. Identifiers: MedGen CN239314.
Meckel-Gruber syndrome. Also called: DYSENCEPHALIA SPLANCHNOCYSTICA; GRUBER SYNDROME; Dysencephalia splachnocystica. Identifiers: Orphanet 564, MedGen C0265215, MONDO:0018921.
Nephronophthisis. Also called: Juvenile Nephronophthisis. Identifiers: Orphanet 655, MedGen C0687120, MONDO:0019005, HP:0000090.
Joubert syndrome. Also called: Familial aplasia of the vermis; JOUBERT-BOLTSHAUSER SYNDROME. Identifiers: Orphanet 475, MedGen C5979921, MONDO:0018772.

Submissions (3):

Labcorp Genetics (formerly Invitae), Labcorp
Classification: Likely benign for Joubert syndrome; Meckel-Gruber syndrome; Nephronophthisis. Last evaluated: 2026-01-27. Review status: criteria provided, single submitter. Criteria: Invitae Variant Classification Sherloc (09022015). Collection method: clinical testing. Allele origin: germline.

Blueprint Genetics
Classification: Uncertain significance. Last evaluated: 2023-11-03. Review status: criteria provided, single submitter. Criteria: ACMG Guidelines, 2015. Collection method: clinical testing. Allele origin: germline.

PreventionGenetics, part of Exact Sciences
Classification: Likely benign for CEP290-related condition. Last evaluated: 2019-08-26. Review status: no assertion criteria provided. Collection method: clinical testing. Allele origin: germline. Not counted in ClinVar's aggregate classification.
Comment: This variant is classified as likely benign based on ACMG/AMP sequence variant interpretation guidelines (Richards et al. 2015 PMID: 25741868, with internal and published modifications).

NM_025114.4(CEP290):c.1910-10_1910-9del

Gene: CEP290 (centrosomal protein 290; minus strand). Cytogenetic location: 12q21.32.
Variant type: Microsatellite.
Coding change: c.1910-10_1910-9del on transcript NM_025114.4 (MANE Select); 10 bases into the intron before coding-DNA position 1910 through 9 bases into the intron before coding-DNA position 1910, 2 bases deleted (GT; older notation c.1910-10_1910-9delGT).
Molecular consequence: intron variant.
Genome position (GRCh38, 1-based): chr12:88,114,571-88,114,572, AC deleted on the plus strand (GT on the coding strand, the reverse complement: CEP290 is on the minus strand); deleting any 2 consecutive bases within chr12:88,114,571-88,114,575 gives the same sequence; the c. name uses the placement nearest the transcript's 3' end. VCF-style (leftmost placement, unchanged base first): chr12-88114570-TAC-T. GRCh37 (hg19) VCF-style: chr12-88508347-TAC-T.
Other names: c.1910-10_1910-9delGT (NM_025114.3).
Identifiers: ClinVar variation 1432365 (VCV001432365.9), dbSNP rs773520477, ClinGen allele CA6712429.